The following is an entry in ClinVar:

NM_003764.4(STX11):c.281A>G (p.Lys94Arg)

Gene: STX11 (syntaxin 11; plus strand). Cytogenetic location: 6q24.2.
Variant type: single nucleotide variant.
Coding change: c.281A>G on transcript NM_003764.4 (MANE Select); coding-DNA position 281, A replaced by G.
Protein change: p.Lys94Arg; replaces lysine 94 with arginine.
Molecular consequence: missense variant.
Genome position (GRCh38, 1-based): chr6:144,186,908, A>G. VCF-style: chr6-144186908-A-G. GRCh37 (hg19) VCF-style: chr6-144508045-A-G.
Other names: c.281A>G (LRG_113t1); short protein forms K94R.
Identifiers: ClinVar variation 576251 (VCV000576251.6), dbSNP rs371402170, ClinGen allele CA4031669.
Genomic context (GRCh38, chr6:144,186,908, plus strand): 5'-CGTCCATGCGGCGCCTCAGCAGCATCAAGCGCGACACCAACTCCATCGCCAAGGCCATCA[A>G]GGCCCGGGGCGAGGTCATCCACTGCAAGCTGCGCGCCATGAAGGAGCTGAGCGAGGCGGC-3'
Protein context (NP_003755.2, residues 84-104): RDTNSIAKAI[Lys94Arg]ARGEVIHCKL

ClinVar aggregate classification (germline): Uncertain significance. Review status: criteria provided, multiple submitters, no conflicts (2 of 4 stars). 2 submissions from 2 submitters: Uncertain significance (2). Last evaluated 2024-04-20.

Conditions:
Inborn genetic diseases. Identifiers: MedGen C0950123, MeSH D030342.
Familial hemophagocytic lymphohistiocytosis 4 (FHL4). Also called: STX11-Related Familial Hemophagocytic Lymphohistiocytosis (STX11-fHLH). Identifiers: Orphanet 540, MedGen C1863728, MONDO:0011336, OMIM 603552.

Allele frequency attached by ClinVar (database versions not stated): gnomAD exomes 0.00001; TOPMed 0.00002; ExAC 0.00003; gnomAD 0.00003; ESP Exome Variant Server 0.00015.

Submissions (2):

Ambry Genetics
Classification: Uncertain significance for Inborn genetic diseases. Last evaluated: 2024-04-20. Review status: criteria provided, single submitter. Criteria: Ambry Variant Classification Scheme 2023. Collection method: clinical testing. Allele origin: germline.

Labcorp Genetics (formerly Invitae), Labcorp
Classification: Uncertain significance for Familial hemophagocytic lymphohistiocytosis 4. Last evaluated: 2022-02-10. Review status: criteria provided, single submitter. Criteria: Invitae Variant Classification Sherloc (09022015). Collection method: clinical testing. Allele origin: germline.
Comment: This sequence change replaces lysine, which is basic and polar, with arginine, which is basic and polar, at codon 94 of the STX11 protein (p.Lys94Arg). This variant is present in population databases (rs371402170, gnomAD 0.004%). This variant has not been reported in the literature in individuals affected with STX11-related conditions. ClinVar contains an entry for this variant (Variation ID: 576251). Algorithms developed to predict the effect of missense changes on protein structure and function are either unavailable or do not agree on the potential impact of this missense change (SIFT: "Tolerated"; PolyPhen-2: "Possibly Damaging"; Align-GVGD: "Class C0"). In summary, the available evidence is currently insufficient to determine the role of this variant in disease. Therefore, it has been classified as a Variant of Uncertain Significance.